The following is an entry in ClinVar:

NM_000388.4(CASR):c.2822A>G (p.Gln941Arg)

Gene: CASR (calcium sensing receptor; plus strand). Cytogenetic location: 3q21.1.
Variant type: single nucleotide variant.
Coding change: c.2822A>G on transcript NM_000388.4 (MANE Select); coding-DNA position 2822, A replaced by G.
Protein change: p.Gln941Arg; replaces glutamine 941 with arginine.
Molecular consequence: missense variant.
Genome position (GRCh38, 1-based): chr3:122,284,776, A>G. VCF-style: chr3-122284776-A-G. GRCh37 (hg19) VCF-style: chr3-122003623-A-G.
Other names: c.2852A>G, p.Gln951Arg (NM_001178065.2); short protein forms Q941R, Q951R.
Identifiers: ClinVar variation 1796459 (VCV001796459.2), dbSNP rs2473282096, ClinGen allele CA354160844.

ClinVar aggregate classification (germline): Uncertain significance (1 of 4 stars; one submission).

Conditions:
Nephrolithiasis/nephrocalcinosis. Identifiers: MedGen CN580796.

Submission:

Ambry Genetics
Classification: Uncertain significance for Nephrolithiasis/nephrocalcinosis. Last evaluated: 2021-10-21. Review status: criteria provided, single submitter. Criteria: Ambry Variant Classification Scheme 2023. Collection method: clinical testing. Allele origin: germline.
Comment: The p.Q941R variant (also known as c.2822A>G), located in coding exon 6 of the CASR gene, results from an A to G substitution at nucleotide position 2822. The glutamine at codon 941 is replaced by arginine, an amino acid with highly similar properties. This amino acid position is conserved. In addition, this alteration is predicted to be tolerated by in silico analysis. Since supporting evidence is limited at this time, the clinical significance of this alteration remains unclear.